The following is an entry in ClinVar:

ClinVar aggregate classification (germline): Uncertain significance (1 of 4 stars; one submission).

Conditions:
Inborn genetic diseases. Identifiers: MedGen C0950123, MeSH D030342.

gnomAD v4.1: 2 of 1,613,984 alleles (0.00012%); highest among the groups gnomAD compares: Non-Finnish European, 0.00017%; no homozygotes.

Submission:

Ambry Genetics
Classification: Uncertain significance for Inborn genetic diseases. Last evaluated: 2025-07-18. Review status: criteria provided, single submitter. Criteria: Ambry Variant Classification Scheme 2023. Collection method: clinical testing. Allele origin: germline.
Comment: The p.K282T variant (also known as c.845A>C), located in coding exon 1 of the SAMD9 gene, results from an A to C substitution at nucleotide position 845. The lysine at codon 282 is replaced by threonine, an amino acid with similar properties. This amino acid position is conserved. In addition, this alteration is predicted to be tolerated by in silico analysis. Based on the available evidence, the clinical significance of this variant remains unclear.

NM_017654.4(SAMD9):c.845A>C (p.Lys282Thr)

Gene: SAMD9 (sterile alpha motif domain containing 9; minus strand). Cytogenetic location: 7q21.2.
Variant type: single nucleotide variant.
Coding change: c.845A>C on transcript NM_017654.4 (MANE Select); coding-DNA position 845, A replaced by C.
Protein change: p.Lys282Thr; replaces lysine 282 with threonine.
Molecular consequence: missense variant.
Genome position (GRCh38, 1-based): chr7:93,105,253, T>G on the plus strand (A>C on the coding strand, the complement: SAMD9 is on the minus strand). VCF-style: chr7-93105253-T-G. GRCh37 (hg19) VCF-style: chr7-92734566-T-G.
Other names: c.845A>C, p.Lys282Thr (NM_001193307.2); short protein forms K282T.
Identifiers: ClinVar variation 4159090 (VCV004159090.1).